The following is an entry in ClinVar:

ClinVar aggregate classification (germline): Pathogenic (1 of 4 stars; one submission).

Allele frequency attached by ClinVar (database versions not stated): gnomAD exomes below 0.00001.

Submission:

Labcorp Genetics (formerly Invitae), Labcorp
Classification: Pathogenic. Last evaluated: 2026-02-03. Review status: criteria provided, single submitter. Criteria: Invitae Variant Classification Sherloc (09022015). Collection method: clinical testing. Allele origin: germline.
Comment: This sequence change creates a premature translational stop signal (p.Leu2059Profs*64) in the POLE gene. It is expected to result in an absent or disrupted protein product. Loss-of-function variants in POLE are known to be pathogenic (PMID: 23230001, 25948378, 30503519). This variant is present in population databases (no rsID available, gnomAD 0.003%). This variant has not been reported in the literature in individuals affected with POLE-related conditions. ClinVar contains an entry for this variant (Variation ID: 1427073). For these reasons, this variant has been classified as Pathogenic.

Literature cited by the submitters: PubMed 23230001; PubMed 25948378; PubMed 30503519.

NM_006231.4(POLE):c.6176del (p.Leu2059fs)

Gene: POLE (DNA polymerase epsilon, catalytic subunit; minus strand). Cytogenetic location: 12q24.33.
Variant type: Deletion.
Coding change: c.6176del on transcript NM_006231.4 (MANE Select); coding-DNA position 6176, one base deleted (T; older notation c.6176delT).
Protein change: p.Leu2059fs; shifts the reading frame from leucine 2059.
Molecular consequence: frameshift variant.
Genome position (GRCh38, 1-based): chr12:132,632,469, A deleted on the plus strand (T on the coding strand, the reverse complement: POLE is on the minus strand). VCF-style (leftmost placement, unchanged base first): chr12-132632468-GA-G. GRCh37 (hg19) VCF-style: chr12-133209054-GA-G.
Other names: short protein forms L2059fs.
Identifiers: ClinVar variation 1427073 (VCV001427073.8), dbSNP rs1386361223, ClinGen allele CA608513839.